The following is an entry in ClinVar:

ClinVar aggregate classification (germline): Uncertain significance (1 of 4 stars; one submission).

Conditions:
Autosomal recessive ataxia, Beauce type. Also called: Spinocerebellar ataxia, autosomal recessive 8; ATAXIA, RECESSIVE, OF BEAUCE; SYNE1-Related Autosomal Recessive Cerebellar Ataxia; SYNE1 Deficiency. Identifiers: Orphanet 88644, MedGen C1853116, MONDO:0012549, OMIM 610743.
Emery-Dreifuss muscular dystrophy 4, autosomal dominant (EDMD4). Also called: EMERY-DREIFUSS MUSCULAR DYSTROPHY 4 WITH VARIABLE FEATURES. Identifiers: Orphanet 261, MedGen C2751807, MONDO:0013071, OMIM 612998.

Allele frequency attached by ClinVar (database versions not stated): gnomAD exomes below 0.00001 and 0.00002; ExAC 0.00001; gnomAD 0.00001 and 0.00002; TOPMed 0.00002; ESP Exome Variant Server 0.00008.

Submission:

Labcorp Genetics (formerly Invitae), Labcorp
Classification: Uncertain significance for Emery-Dreifuss muscular dystrophy 4, autosomal dominant; Autosomal recessive ataxia, Beauce type. Last evaluated: 2022-03-18. Review status: criteria provided, single submitter. Criteria: Invitae Variant Classification Sherloc (09022015). Collection method: clinical testing. Allele origin: germline.
Comment: In summary, the available evidence is currently insufficient to determine the role of this variant in disease. Therefore, it has been classified as a Variant of Uncertain Significance. This sequence change replaces isoleucine, which is neutral and non-polar, with threonine, which is neutral and polar, at codon 8531 of the SYNE1 protein (p.Ile8531Thr). This variant is present in population databases (rs370566643, gnomAD 0.007%). This variant has not been reported in the literature in individuals affected with SYNE1-related conditions. ClinVar contains an entry for this variant (Variation ID: 972355). Algorithms developed to predict the effect of missense changes on protein structure and function are either unavailable or do not agree on the potential impact of this missense change (SIFT: "Deleterious"; PolyPhen-2: "Possibly Damaging"; Align-GVGD: "Class C0").

NM_182961.4(SYNE1):c.25736T>C (p.Ile8579Thr)

Gene: SYNE1 (spectrin repeat containing nuclear envelope protein 1; minus strand). Cytogenetic location: 6q25.2.
Variant type: single nucleotide variant.
Coding change: c.25736T>C on transcript NM_182961.4 (MANE Select); coding-DNA position 25736, T replaced by C.
Protein change: p.Ile8579Thr; replaces isoleucine 8579 with threonine.
Molecular consequence: missense variant.
Genome position (GRCh38, 1-based): chr6:152,135,156, A>G on the plus strand (T>C on the coding strand, the complement: SYNE1 is on the minus strand). VCF-style: chr6-152135156-A-G. GRCh37 (hg19) VCF-style: chr6-152456291-A-G.
Other names: c.2342T>C, p.Ile781Thr (NM_001347701.2); c.2270T>C, p.Ile757Thr (NM_001347702.2); c.25592T>C, p.Ile8531Thr (NM_033071.5); short protein forms I781T, I8531T, I757T, I8579T.
Identifiers: ClinVar variation 972355 (VCV000972355.10), dbSNP rs370566643, ClinGen allele CA4052753.
Genomic context (GRCh38, chr6:152,135,156, plus strand): 5'-CATCTTACCATAAGCTGTTTGTGATGGTCCTGAAGTATCTCTGCATCAAGGTTAGAATCA[A>G]TAGGGACAATTTCATTTTTCCTTCTGTCAATGTTCTCCAGCATAAGAAGCAAACCATGGC-3'
Protein context (NP_892006.3, residues 8569-8589): IDRRKNEIVP[Ile8579Thr]DSNLDAEILQ